The following is an entry in ClinVar:

NM_000091.5(COL4A3):c.1019T>A (p.Phe340Tyr)

Genes: COL4A3 (collagen type IV alpha 3 chain; plus strand), MFF-DT (MFF divergent transcript; minus strand). Cytogenetic location: 2q36.3.
Variant type: single nucleotide variant.
Coding change: c.1019T>A on transcript NM_000091.5 (MANE Select); coding-DNA position 1019, T replaced by A.
Protein change: p.Phe340Tyr; replaces phenylalanine 340 with tyrosine.
Molecular consequence: missense variant.
Genome position (GRCh38, 1-based): chr2:227,257,634, T>A. VCF-style: chr2-227257634-T-A. GRCh37 (hg19) VCF-style: chr2-228122350-T-A.
Other names: short protein forms F340Y.
Identifiers: ClinVar variation 4800363 (VCV004800363.1).

ClinVar aggregate classification (germline): Uncertain significance (1 of 4 stars; one submission).

Submission:

Labcorp Genetics (formerly Invitae), Labcorp
Classification: Uncertain significance. Last evaluated: 2025-03-10. Review status: criteria provided, single submitter. Criteria: Invitae Variant Classification Sherloc (09022015). Collection method: clinical testing. Allele origin: germline.
Comment: This sequence change replaces phenylalanine, which is neutral and non-polar, with tyrosine, which is neutral and polar, at codon 340 of the COL4A3 protein (p.Phe340Tyr). This variant is not present in population databases (gnomAD no frequency). This variant has not been reported in the literature in individuals affected with COL4A3-related conditions. Invitae Evidence Modeling of protein sequence and biophysical properties (such as structural, functional, and spatial information, amino acid conservation, physicochemical variation, residue mobility, and thermodynamic stability) indicates that this missense variant is not expected to disrupt COL4A3 protein function with a negative predictive value of 95%. In summary, the available evidence is currently insufficient to determine the role of this variant in disease. Therefore, it has been classified as a Variant of Uncertain Significance.